The following is an entry in ClinVar:

ClinVar aggregate classification (germline): Uncertain significance. Review status: criteria provided, multiple submitters, no conflicts (2 of 4 stars). 3 submissions from 3 submitters: Uncertain significance (3). Last evaluated 2024-06-17.

Conditions:
Donnai-Barrow syndrome. Also called: FACIOOCULOACOUSTICORENAL SYNDROME; DBS/FOAR SYNDROME. Identifiers: Orphanet 2143, MedGen C1857277, MONDO:0009104, OMIM 222448.

Allele frequency attached by ClinVar (database versions not stated): gnomAD exomes below 0.00001; TOPMed 0.00002.
gnomAD v4.1: 9 of 1,614,056 alleles (0.00056%); highest among the groups gnomAD compares: East Asian, 0.0022%; no homozygotes.

Submissions (3):

Fulgent Genetics
Classification: Uncertain significance for Donnai-Barrow syndrome. Last evaluated: 2024-06-17. Review status: criteria provided, single submitter. Criteria: ACMG Guidelines, 2015. Collection method: clinical testing. Allele origin: germline.

GeneDx
Classification: Uncertain significance. Last evaluated: 2022-09-11. Review status: criteria provided, single submitter. Criteria: GeneDx Variant Classification Process June 2021. Collection method: clinical testing. Allele origin: germline. Affected: yes.
Comment: Not observed at significant frequency in large population cohorts (gnomAD); In silico analysis supports that this missense variant has a deleterious effect on protein structure/function; Has not been previously published as pathogenic or benign to our knowledge

Labcorp Genetics (formerly Invitae), Labcorp
Classification: Uncertain significance. Last evaluated: 2022-07-05. Review status: criteria provided, single submitter. Criteria: Invitae Variant Classification Sherloc (09022015). Collection method: clinical testing. Allele origin: germline.
Comment: This sequence change replaces arginine, which is basic and polar, with cysteine, which is neutral and slightly polar, at codon 2759 of the LRP2 protein (p.Arg2759Cys). This variant is not present in population databases (gnomAD no frequency). This variant has not been reported in the literature in individuals affected with LRP2-related conditions. Algorithms developed to predict the effect of missense changes on protein structure and function are either unavailable or do not agree on the potential impact of this missense change (SIFT: "Deleterious"; PolyPhen-2: "Probably Damaging"; Align-GVGD: "Class C0"). In summary, the available evidence is currently insufficient to determine the role of this variant in disease. Therefore, it has been classified as a Variant of Uncertain Significance.

NM_004525.3(LRP2):c.8275C>T (p.Arg2759Cys)

Gene: LRP2 (LDL receptor related protein 2; minus strand). Cytogenetic location: 2q31.1.
Variant type: single nucleotide variant.
Coding change: c.8275C>T on transcript NM_004525.3 (MANE Select); coding-DNA position 8275, C replaced by T.
Protein change: p.Arg2759Cys; replaces arginine 2759 with cysteine.
Molecular consequence: missense variant.
Genome position (GRCh38, 1-based): chr2:169,201,805, G>A on the plus strand (C>T on the coding strand, the complement: LRP2 is on the minus strand). VCF-style: chr2-169201805-G-A. GRCh37 (hg19) VCF-style: chr2-170058315-G-A.
Other names: c.8275C>T (NM_004525.2); short protein forms R2759C.
Identifiers: ClinVar variation 2103266 (VCV002103266.3), dbSNP rs1489949330, ClinGen allele CA349165656.